The following is an entry in ClinVar:

NM_000384.3(APOB):c.1037A>G (p.Asn346Ser)

Gene: APOB (apolipoprotein B; minus strand). Cytogenetic location: 2p24.1.
Variant type: single nucleotide variant.
Coding change: c.1037A>G on transcript NM_000384.3 (MANE Select); coding-DNA position 1037, A replaced by G.
Protein change: p.Asn346Ser; replaces asparagine 346 with serine.
Molecular consequence: missense variant.
Genome position (GRCh38, 1-based): chr2:21,033,386, T>C on the plus strand (A>G on the coding strand, the complement: APOB is on the minus strand). VCF-style: chr2-21033386-T-C. GRCh37 (hg19) VCF-style: chr2-21256258-T-C.
Other names: short protein forms N346S.
Identifiers: ClinVar variation 4125839 (VCV004125839.2).

ClinVar aggregate classification (germline): Uncertain significance (1 of 4 stars; one submission).

Conditions:
Cardiovascular phenotype. Identifiers: MedGen CN230736.

gnomAD v4.1: 2 of 1,614,184 alleles (0.00012%); highest among the groups gnomAD compares: Middle Eastern, 0.033%; no homozygotes.

Submission:

Ambry Genetics
Classification: Uncertain significance for Cardiovascular phenotype. Last evaluated: 2026-09-11. Review status: criteria provided, single submitter. Criteria: Ambry Variant Classification Scheme 2023. Collection method: clinical testing. Allele origin: germline.
Comment: The p.N346S variant (also known as c.1037A>G), located in coding exon 9 of the APOB gene, results from an A to G substitution at nucleotide position 1037. The asparagine at codon 346 is replaced by serine, an amino acid with highly similar properties. This amino acid position is conserved. In addition, this alteration is predicted to be tolerated by in silico analysis. Based on the available evidence, the clinical significance of this variant remains unclear.